The following is an entry in ClinVar:

NM_001377142.1(PLCB4):c.1611+12C>T

Gene: PLCB4 (phospholipase C beta 4; plus strand). Cytogenetic location: 20p12.2.
Variant type: single nucleotide variant.
Coding change: c.1611+12C>T on transcript NM_001377142.1 (MANE Select); 12 bases into the intron after coding-DNA position 1611, C replaced by T.
Molecular consequence: intron variant.
Genome position (GRCh38, 1-based): chr20:9,401,602, C>T. VCF-style: chr20-9401602-C-T. GRCh37 (hg19) VCF-style: chr20-9382249-C-T.
Other names: c.1611+12C>T (NM_001377134.2, NM_000933.4, NM_182797.3 and 4 more transcripts).
Identifiers: ClinVar variation 339565 (VCV000339565.8), dbSNP rs761137370, ClinGen allele CA9761149.

ClinVar aggregate classification (germline): Likely benign. Review status: criteria provided, multiple submitters, no conflicts (2 of 4 stars). 2 submissions from 2 submitters: Likely benign (2). Last evaluated 2023-11-10.

Conditions:
Auriculocondylar syndrome 2 (ARCND2A). Also called: AURICULOCONDYLAR SYNDROME 2A. Identifiers: Orphanet 137888, MedGen C3553404, MONDO:0013845, OMIM 614669.

Allele frequency attached by ClinVar (database versions not stated): ExAC 0.00003; gnomAD exomes 0.00005 and 0.00007; gnomAD 0.00007; TOPMed 0.00009.
gnomAD v4.1: 84 of 1,556,622 alleles (0.0054%); highest among the groups gnomAD compares: Non-Finnish European, 0.0008%; 1 homozygote.

Submissions (2):

Labcorp Genetics (formerly Invitae), Labcorp
Classification: Likely benign. Last evaluated: 2023-11-10. Review status: criteria provided, single submitter. Criteria: Invitae Variant Classification Sherloc (09022015). Collection method: clinical testing. Allele origin: germline.

Illumina Laboratory Services, Illumina
Classification: Likely benign for Auriculocondylar syndrome 2. Last evaluated: 2018-01-12. Review status: criteria provided, single submitter. Criteria: ICSL Variant Classification Criteria 13 December 2019. Collection method: clinical testing. Allele origin: germline.
Comment: This variant was observed in the ICSL laboratory as part of a predisposition screen in an ostensibly healthy population. It had not been previously curated by ICSL or reported in the Human Gene Mutation Database (HGMD: prior to June 1st, 2018), and was therefore a candidate for classification through an automated scoring system. Utilizing variant allele frequency, disease prevalence and penetrance estimates, and inheritance mode, an automated score was calculated to assess if this variant is too frequent to cause the disease. Based on the score and internal cut-off values, a variant classified as likely benign is not then subjected to further curation. The score for this variant resulted in a classification of likely benign for this disease.